The following is an entry in ClinVar:

ClinVar aggregate classification (germline): Uncertain significance (1 of 4 stars; one submission).

Conditions:
Fanconi anemia complementation group J. Also called: BRIP1-Related Fanconi Anemia. Identifiers: Orphanet 84, MedGen C1836860, MONDO:0012187, OMIM 609054.
Familial cancer of breast. Also called: hereditary breast carcinoma; BREAST CANCER, FAMILIAL; Hereditary breast cancer. Identifiers: Orphanet 227535, MedGen C0346153, MONDO:0016419, OMIM 114480. Disease mechanism: loss of function.

Submission:

Labcorp Genetics (formerly Invitae), Labcorp
Classification: Uncertain significance for Familial cancer of breast; Fanconi anemia complementation group J. Last evaluated: 2025-05-25. Review status: criteria provided, single submitter. Criteria: Invitae Variant Classification Sherloc (09022015). Collection method: clinical testing. Allele origin: germline.
Comment: This sequence change replaces glutamic acid, which is acidic and polar, with glycine, which is neutral and non-polar, at codon 1184 of the BRIP1 protein (p.Glu1184Gly). This variant is not present in population databases (gnomAD no frequency). This variant has not been reported in the literature in individuals affected with BRIP1-related conditions. ClinVar contains an entry for this variant (Variation ID: 1979774). Invitae Evidence Modeling of protein sequence and biophysical properties (such as structural, functional, and spatial information, amino acid conservation, physicochemical variation, residue mobility, and thermodynamic stability) indicates that this missense variant is not expected to disrupt BRIP1 protein function with a negative predictive value of 95%. In summary, the available evidence is currently insufficient to determine the role of this variant in disease. Therefore, it has been classified as a Variant of Uncertain Significance.

NM_032043.3(BRIP1):c.3551A>G (p.Glu1184Gly)

Gene: BRIP1 (BRCA1 interacting DNA helicase 1; minus strand). Cytogenetic location: 17q23.2.
Variant type: single nucleotide variant.
Coding change: c.3551A>G on transcript NM_032043.3 (MANE Select); coding-DNA position 3551, A replaced by G.
Protein change: p.Glu1184Gly; replaces glutamic acid 1184 with glycine.
Molecular consequence: missense variant.
Genome position (GRCh38, 1-based): chr17:61,683,495, T>C on the plus strand (A>G on the coding strand, the complement: BRIP1 is on the minus strand). VCF-style: chr17-61683495-T-C. GRCh37 (hg19) VCF-style: chr17-59760856-T-C.
Other names: short protein forms E1184G.
Identifiers: ClinVar variation 1979774 (VCV001979774.2), dbSNP rs2144072175, ClinGen allele CA400478294.
Genomic context (GRCh38, chr17:61,683,495, plus strand): 5'-CTTTCTTCAATATGCAGAATTCCATTCAACTTTGTATCTATGCAATCCTCAGCTTTCACT[T>C]CTCTGGCTGAATCTACTTCTTTTATAGTTCTAATTTCAAAAAGGTCTTTAGCTAAAATGC-3'
Protein context (NP_114432.2, residues 1174-1194): RTIKEVDSAR[Glu1184Gly]VKAEDCIDTK